The following is an entry in ClinVar:

ClinVar aggregate classification (germline): Conflicting classifications of pathogenicity. Review status: criteria provided, conflicting classifications (1 of 4 stars). 7 submissions from 7 submitters: Uncertain significance (3); Likely benign (4). Last evaluated 2026-04-24.

Conditions:
Combined immunodeficiency due to DOCK8 deficiency (HIES2). Also called: HYPER-IgE SYNDROME 2, AUTOSOMAL RECESSIVE, WITH RECURRENT INFECTIONS; DOCK8 Deficiency; HIES autosomal recessive; Hyper-IgE recurrent infection syndrome, autosomal recessive; HYPER-IgE RECURRENT INFECTION SYNDROME 2, AUTOSOMAL RECESSIVE. Identifiers: Orphanet 217390, MedGen C4722305, MONDO:0009478, OMIM 243700.
DOCK8-related disorder. Also called: DOCK8-related condition.

Allele frequency attached by ClinVar (database versions not stated): 1000 Genomes Project 30x 0.00016; 1000 Genomes Project 0.00020; TOPMed 0.00079; ExAC 0.00090; ESP Exome Variant Server 0.00092; gnomAD exomes 0.00105 and 0.00129.
gnomAD v4.1: 2,089 of 1,614,038 alleles (0.13%); highest among the groups gnomAD compares: Non-Finnish European, 0.13%; 4 homozygotes.

Submissions (7):

Women's Health and Genetics/Laboratory Corporation of America, LabCorp
Classification: Likely benign. Last evaluated: 2026-04-24. Review status: criteria provided, single submitter. Criteria: LabCorp Variant Classification Summary - May 2015. Collection method: clinical testing. Allele origin: germline.
Comment: Variant summary: DOCK8 c.550G>A (p.Val184Met) results in a conservative amino acid change in the encoded protein sequence. Algorithms developed to predict the effect of missense changes on protein structure and function are either unavailable or do not agree on the potential impact of this missense change. The variant allele was found at a frequency of 0.0011 in 282116 control chromosomes, predominantly at a frequency of 0.0051 within the Non-Finnish European subpopulation in the gnomAD database. The observed variant frequency within Non-Finnish European control individuals in the gnomAD database exceeds the estimated maximal expected allele frequency for disease-causing variants in DOCK8. To our knowledge, no occurrence of c.550G>A in individuals affected with DOCK8-related conditions and no experimental evidence demonstrating its impact on protein function have been reported. ClinVar contains an entry for this variant (Variation ID: 366544). Based on the evidence outlined above, the variant was classified as likely benign.

Labcorp Genetics (formerly Invitae), Labcorp
Classification: Likely benign for Combined immunodeficiency due to DOCK8 deficiency. Last evaluated: 2026-01-27. Review status: criteria provided, single submitter. Criteria: Invitae Variant Classification Sherloc (09022015). Collection method: clinical testing. Allele origin: germline.

PreventionGenetics, part of Exact Sciences
Classification: Likely benign for DOCK8-related condition. Last evaluated: 2025-03-06. Review status: criteria provided, single submitter. Criteria: ACMG Guidelines, 2015. Collection method: clinical testing. Allele origin: germline.
Comment: This variant is classified as likely benign based on ACMG/AMP sequence variant interpretation guidelines (Richards et al. 2015 PMID: 25741868, with internal and published modifications).

Blueprint Genetics
Classification: Likely benign. Last evaluated: 2024-11-22. Review status: criteria provided, single submitter. Criteria: ACMG Guidelines, 2015. Collection method: clinical testing. Allele origin: germline.

GeneDx
Classification: Uncertain significance. Last evaluated: 2022-04-26. Review status: criteria provided, single submitter. Criteria: GeneDx Variant Classification Process June 2021. Collection method: clinical testing. Allele origin: germline. Affected: yes.
Comment: In silico analysis supports that this missense variant does not alter protein structure/function; Has not been previously published as pathogenic or benign to our knowledge

Baylor Genetics
Classification: Uncertain significance for Combined immunodeficiency due to DOCK8 deficiency. Last evaluated: 2018-08-08. Review status: criteria provided, single submitter. Criteria: ACMG Guidelines, 2015. Collection method: clinical testing. Allele origin: unknown. Affected: yes.
Comment: This variant was determined to be of uncertain significance according to ACMG Guidelines, 2015 [PMID:25741868].

Illumina Laboratory Services, Illumina
Classification: Uncertain significance for Combined immunodeficiency due to DOCK8 deficiency. Last evaluated: 2018-01-13. Review status: criteria provided, single submitter. Criteria: ICSL Variant Classification Criteria 13 December 2019. Collection method: clinical testing. Allele origin: germline.

NM_203447.4(DOCK8):c.550G>A (p.Val184Met)

Gene: DOCK8 (dedicator of cytokinesis 8; plus strand). Cytogenetic location: 9p24.3.
Variant type: single nucleotide variant.
Coding change: c.550G>A on transcript NM_203447.4 (MANE Select); coding-DNA position 550, G replaced by A.
Protein change: p.Val184Met; replaces valine 184 with methionine.
Molecular consequence: missense variant.
Genome position (GRCh38, 1-based): chr9:311,975, G>A. VCF-style: chr9-311975-G-A. GRCh37 (hg19) VCF-style: chr9-311975-G-A.
Other names: c.346G>A, p.Val116Met (NM_001190458.2, NM_001193536.2); short protein forms V184M, V116M.
Identifiers: ClinVar variation 366544 (VCV000366544.21), dbSNP rs143461644, ClinGen allele CA4957315.